The following is an entry in ClinVar:

NM_002439.5(MSH3):c.1874del (p.Leu625fs)

Gene: MSH3 (mutS homolog 3; plus strand). Cytogenetic location: 5q14.1.
Variant type: Deletion.
Coding change: c.1874del on transcript NM_002439.5 (MANE Select); coding-DNA position 1874, one base deleted (T; older notation c.1874delT).
Protein change: p.Leu625fs; shifts the reading frame from leucine 625.
Molecular consequence: frameshift variant.
Genome position (GRCh38, 1-based): chr5:80,761,656, T deleted. VCF-style (leftmost placement, unchanged base first): chr5-80761655-CT-C. GRCh37 (hg19) VCF-style: chr5-80057474-CT-C.
Other names: short protein forms L625fs.
Identifiers: ClinVar variation 954976 (VCV000954976.7), dbSNP rs1744037495, ClinGen allele CA1139658911.
Genomic context (GRCh38, chr5:80,761,655, plus strand): 5'-TCTAGTGTGTTTGGTCAGATAGAAAATCATCTACGTAAATTGCCCGACATAGAGAGGGGA[CT>C]CTGTAGCATTTATCACAAAAAAGTAAGTGTGATAGAAATCTATTAAAGCTGACAGTGTTC-3'

ClinVar aggregate classification (germline): Pathogenic (1 of 4 stars; one submission).

Submission:

Labcorp Genetics (formerly Invitae), Labcorp
Classification: Pathogenic. Last evaluated: 2019-10-28. Review status: criteria provided, single submitter. Criteria: Invitae Variant Classification Sherloc (09022015). Collection method: clinical testing. Allele origin: germline.
Comment: For these reasons, this variant has been classified as Pathogenic. Loss-of-function variants in MSH3 are known to be pathogenic (PMID: 27476653). This variant has not been reported in the literature in individuals with MSH3-related conditions. This variant is not present in population databases (ExAC no frequency). This sequence change creates a premature translational stop signal (p.Leu625Profs*16) in the MSH3 gene. It is expected to result in an absent or disrupted protein product.

Literature cited by the submitters: PubMed 27476653.